The following is an entry in ClinVar:

ClinVar aggregate classification (germline): Uncertain significance (1 of 4 stars; one submission).

gnomAD v4.1: 2 of 1,613,464 alleles (0.00012%); highest among the groups gnomAD compares: Non-Finnish European, 0.00017%; no homozygotes.

Submission:

Ambry Genetics
Classification: Uncertain significance. Last evaluated: 2024-01-06. Review status: criteria provided, single submitter. Criteria: Ambry Variant Classification Scheme 2023. Collection method: clinical testing. Allele origin: germline.
Comment: The p.R2466S variant (also known as c.7396C>A), located in coding exon 28 of the POLQ gene, results from a C to A substitution at nucleotide position 7396. The arginine at codon 2466 is replaced by serine, an amino acid with dissimilar properties. This amino acid position is conserved. In addition, this alteration is predicted to be deleterious by in silico analysis. Since supporting evidence is limited at this time, the clinical significance of this alteration remains unclear.

NM_199420.4(POLQ):c.7396C>A (p.Arg2466Ser)

Gene: POLQ (DNA polymerase theta; minus strand). Cytogenetic location: 3q13.33.
Variant type: single nucleotide variant.
Coding change: c.7396C>A on transcript NM_199420.4 (MANE Select); coding-DNA position 7396, C replaced by A.
Protein change: p.Arg2466Ser; replaces arginine 2466 with serine.
Molecular consequence: missense variant.
Genome position (GRCh38, 1-based): chr3:121,436,269, G>T on the plus strand (C>A on the coding strand, the complement: POLQ is on the minus strand). VCF-style: chr3-121436269-G-T. GRCh37 (hg19) VCF-style: chr3-121155116-G-T.
Other names: short protein forms R2466S.
Identifiers: ClinVar variation 3230154 (VCV003230154.1), dbSNP rs372079450, ClinGen allele CA354096285.